The following is an entry in ClinVar:

ClinVar aggregate classification (germline): Uncertain significance (1 of 4 stars; one submission).

Conditions:
Juvenile polyposis syndrome (JPS). Identifiers: Orphanet 2929, MedGen C0345893, MONDO:0017380, OMIM 174900.

Submission:

Labcorp Genetics (formerly Invitae), Labcorp
Classification: Uncertain significance for Juvenile polyposis syndrome. Last evaluated: 2017-11-11. Review status: criteria provided, single submitter. Criteria: Invitae Variant Classification Sherloc (09022015). Collection method: clinical testing. Allele origin: germline.
Comment: This sequence change falls in intron 12 of the BMPR1A gene. It does not directly change the encoded amino acid sequence of the BMPR1A protein, but it affects a nucleotide within the consensus splice site of the intron. This variant is not present in population databases (ExAC no frequency). This variant has not been reported in the literature in individuals with BMPR1A-related disease. Nucleotide substitutions within the consensus splice site are a relatively common cause of aberrant splicing (PMID: 17576681, 9536098). Algorithms developed to predict the effect of sequence changes on RNA splicing suggest that this variant may disrupt the consensus splice site, but this prediction has not been confirmed by published transcriptional studies. In summary, the available evidence is currently insufficient to determine the role of this variant in disease. Therefore, it has been classified as a Variant of Uncertain Significance.

Literature cited by the submitters: PubMed 17576681; PubMed 9536098.

NM_004329.3(BMPR1A):c.1473+6T>C

Gene: BMPR1A (bone morphogenetic protein receptor type 1A; plus strand). Cytogenetic location: 10q23.2.
Variant type: single nucleotide variant.
Coding change: c.1473+6T>C on transcript NM_004329.3 (MANE Select); 6 bases into the intron after coding-DNA position 1473, T replaced by C.
Molecular consequence: intron variant.
Genome position (GRCh38, 1-based): chr10:86,923,512, T>C. VCF-style: chr10-86923512-T-C. GRCh37 (hg19) VCF-style: chr10-88683269-T-C.
Identifiers: ClinVar variation 529952 (VCV000529952.10), dbSNP rs1554891619, ClinGen allele CA658797473.